The following is an entry in ClinVar:

NM_145059.3(FCSK):c.2140C>T (p.Arg714Cys)

Gene: FCSK (fucose kinase; plus strand). Cytogenetic location: 16q22.1.
Variant type: single nucleotide variant.
Coding change: c.2140C>T on transcript NM_145059.3 (MANE Select); coding-DNA position 2140, C replaced by T.
Protein change: p.Arg714Cys; replaces arginine 714 with cysteine.
Molecular consequence: missense variant.
Genome position (GRCh38, 1-based): chr16:70,474,679, C>T. VCF-style: chr16-70474679-C-T. GRCh37 (hg19) VCF-style: chr16-70508582-C-T.
Other names: short protein forms R714C.
Identifiers: ClinVar variation 3278432 (VCV003278432.3).

ClinVar aggregate classification (germline): Uncertain significance. Review status: criteria provided, multiple submitters, no conflicts (2 of 4 stars). 2 submissions from 2 submitters: Uncertain significance (2). Last evaluated 2024-06-14.

gnomAD v4.1: 11 of 1,600,960 alleles (0.00069%); highest among the groups gnomAD compares: African/African-American, 0.004%; no homozygotes.

Submissions (2):

Labcorp Genetics (formerly Invitae), Labcorp
Classification: Uncertain significance. Last evaluated: 2024-06-14. Review status: criteria provided, single submitter. Criteria: Invitae Variant Classification Sherloc (09022015). Collection method: clinical testing. Allele origin: germline.
Comment: This sequence change replaces arginine, which is basic and polar, with cysteine, which is neutral and slightly polar, at codon 714 of the FUK protein (p.Arg714Cys). The frequency data for this variant in the population databases is considered unreliable, as metrics indicate poor data quality at this position in the gnomAD database. This variant has not been reported in the literature in individuals affected with FUK-related conditions. An algorithm developed to predict the effect of missense changes on protein structure and function (PolyPhen-2) suggests that this variant is likely to be disruptive. In summary, the available evidence is currently insufficient to determine the role of this variant in disease. Therefore, it has been classified as a Variant of Uncertain Significance.

Ambry Genetics
Classification: Uncertain significance. Last evaluated: 2024-05-23. Review status: criteria provided, single submitter. Criteria: Ambry Variant Classification Scheme 2023. Collection method: clinical testing. Allele origin: germline.